The following is an entry in ClinVar:

ClinVar aggregate classification (germline): Pathogenic (1 of 4 stars; one submission).

Submission:

Labcorp Genetics (formerly Invitae), Labcorp
Classification: Pathogenic. Last evaluated: 2024-02-06. Review status: criteria provided, single submitter. Criteria: Invitae Variant Classification Sherloc (09022015). Collection method: clinical testing. Allele origin: germline.
Comment: This sequence change creates a premature translational stop signal (p.Pro3359Argfs*23) in the FRAS1 gene. It is expected to result in an absent or disrupted protein product. Loss-of-function variants in FRAS1 are known to be pathogenic (PMID: 12766769, 18671281). This variant is not present in population databases (gnomAD no frequency). This variant has not been reported in the literature in individuals affected with FRAS1-related conditions. For these reasons, this variant has been classified as Pathogenic.

Literature cited by the submitters: PubMed 12766769; PubMed 18671281.

NM_025074.7(FRAS1):c.10076del (p.Pro3359fs)

Gene: FRAS1 (Fraser extracellular matrix complex subunit 1; plus strand). Cytogenetic location: 4q21.21.
Variant type: Deletion.
Coding change: c.10076del on transcript NM_025074.7 (MANE Select); coding-DNA position 10076, one base deleted (C; older notation c.10076delC).
Protein change: p.Pro3359fs; shifts the reading frame from proline 3359.
Molecular consequence: frameshift variant.
Genome position (GRCh38, 1-based): chr4:78,513,454, C deleted; the last of 2 consecutive C bases (chr4:78,513,453-78,513,454); deleting either gives the same sequence. VCF-style (leftmost placement, unchanged base first): chr4-78513452-GC-G. GRCh37 (hg19) VCF-style: chr4-79434606-GC-G.
Other names: short protein forms P3359fs.
Identifiers: ClinVar variation 3701513 (VCV003701513.2).